The following is an entry in ClinVar:

ClinVar aggregate classification (germline): Uncertain significance. Review status: criteria provided, multiple submitters, no conflicts (2 of 4 stars). 2 submissions from 2 submitters: Uncertain significance (2). Last evaluated 2025-11-03.

Conditions:
Agenesis of the corpus callosum with peripheral neuropathy (ACCPN). Also called: CHARLEVOIX DISEASE; POLYNEUROPATHY, SENSORIMOTOR, WITH OR WITHOUT AGENESIS OF THE CORPUS CALLOSUM; HMSN/ACC; Hereditary Motor and Sensory Neuropathy with Agenesis of the Corpus Callosum. Identifiers: Orphanet 1496, MedGen C0795950, MONDO:0000902, OMIM 218000. Disease mechanism: loss of function.
Charcot-Marie-Tooth disease, axonal, IIa 2II. Also called: CHARCOT-MARIE-TOOTH NEUROPATHY, TYPE 2II; Charcot-Marie-Tooth disease, axonal, type 2II; Charcot-marie-tooth disease, axonal,IIa 2II. Identifiers: MedGen C5774227, MONDO:0031068, OMIM 620068.

Allele frequency attached by ClinVar (database versions not stated): gnomAD exomes below 0.00001.
gnomAD v4.1: 2 of 1,613,762 alleles (0.00012%); highest among the groups gnomAD compares: South Asian, 0.0022%; no homozygotes.

Submissions (2):

Institute of Immunology and Genetics Kaiserslautern
Classification: Uncertain significance for Charcot-Marie-Tooth disease, axonal, IIa 2II; Agenesis of the corpus callosum with peripheral neuropathy. Last evaluated: 2025-11-03. Review status: criteria provided, single submitter. Criteria: ACMG Guidelines, 2015. Collection method: clinical testing. Allele origin: germline. Affected: yes.
Comment: ACMG Criteria: PM2_P, PP3; Variant was found in heterozygous state.

Labcorp Genetics (formerly Invitae), Labcorp
Classification: Uncertain significance. Last evaluated: 2023-01-17. Review status: criteria provided, single submitter. Criteria: Invitae Variant Classification Sherloc (09022015). Collection method: clinical testing. Allele origin: germline.
Comment: In summary, the available evidence is currently insufficient to determine the role of this variant in disease. Therefore, it has been classified as a Variant of Uncertain Significance. Advanced modeling of protein sequence and biophysical properties (such as structural, functional, and spatial information, amino acid conservation, physicochemical variation, residue mobility, and thermodynamic stability) performed at Invitae indicates that this missense variant is not expected to disrupt SLC12A6 protein function. This variant has not been reported in the literature in individuals affected with SLC12A6-related conditions. This variant is present in population databases (rs757527601, gnomAD 0.003%). This sequence change replaces isoleucine, which is neutral and non-polar, with phenylalanine, which is neutral and non-polar, at codon 226 of the SLC12A6 protein (p.Ile226Phe).

NM_001365088.1(SLC12A6):c.676A>T (p.Ile226Phe)

Genes: SLC12A6 (solute carrier family 12 member 6; minus strand), LOC129390683 (MPRA-validated peak2292 silencer; plus strand). Cytogenetic location: 15q14.
Variant type: single nucleotide variant.
Coding change: c.676A>T on transcript NM_001365088.1 (MANE Select); coding-DNA position 676, A replaced by T.
Protein change: p.Ile226Phe; replaces isoleucine 226 with phenylalanine.
Molecular consequence: missense variant.
Genome position (GRCh38, 1-based): chr15:34,257,656, T>A on the plus strand (A>T on the coding strand, the complement: SLC12A6 is on the minus strand). VCF-style: chr15-34257656-T-A. GRCh37 (hg19) VCF-style: chr15-34549857-T-A.
Other names: c.499A>T, p.Ile167Phe (NM_001042494.2, NM_001042495.2); c.649A>T, p.Ile217Phe (NM_001042496.2); c.631A>T, p.Ile211Phe (NM_001042497.2); c.523A>T, p.Ile175Phe (NM_005135.2); c.676A>T, p.Ile226Phe (NM_133647.2); short protein forms I217F, I175F, I226F, I167F, I211F.
Identifiers: ClinVar variation 2954746 (VCV002954746.4), dbSNP rs757527601, ClinGen allele CA7464523.